The following is an entry in ClinVar:

ClinVar aggregate classification (germline): Uncertain significance (1 of 4 stars; one submission).

Submission:

Women's Health and Genetics/Laboratory Corporation of America, LabCorp
Classification: Uncertain significance. Last evaluated: 2026-01-28. Review status: criteria provided, single submitter. Criteria: LabCorp Variant Classification Summary - May 2015. Collection method: clinical testing. Allele origin: germline.
Comment: Variant summary: EXT2 c.1229C>T (p.Thr410Ile) results in a non-conservative amino acid change in the encoded protein sequence. Algorithms developed to predict the effect of missense changes on protein structure and function all suggest that this variant is likely to be disruptive. The variant was absent in 251430 control chromosomes. The available data on variant occurrences in the general population are insufficient to allow any conclusion about variant significance. To our knowledge, no occurrence of c.1229C>T in individuals affected with EXT2-related conditions and no experimental evidence demonstrating its impact on protein function have been reported. No submitters have cited clinical-significance assessments for this variant to ClinVar. Based on the evidence outlined above, the variant was classified as uncertain significance.

NM_207122.2(EXT2):c.1229C>T (p.Thr410Ile)

Gene: EXT2 (exostosin glycosyltransferase 2; plus strand). Cytogenetic location: 11p11.2.
Variant type: single nucleotide variant.
Coding change: c.1229C>T on transcript NM_207122.2 (MANE Select); coding-DNA position 1229, C replaced by T.
Protein change: p.Thr410Ile; replaces threonine 410 with isoleucine.
Molecular consequence: missense variant. On other transcripts: intron variant (1).
Genome position (GRCh38, 1-based): chr11:44,171,666, C>T. VCF-style: chr11-44171666-C-T. GRCh37 (hg19) VCF-style: chr11-44193216-C-T.
Other names: c.1328C>T, p.Thr443Ile (NM_000401.3); c.1229C>T, p.Thr410Ile (NM_001389628.1, NM_001389630.1); c.1267-8C>T (NM_001178083.3); short protein forms T410I, T443I.
Identifiers: ClinVar variation 4689171 (VCV004689171.1).